The following is an entry in ClinVar:

ClinVar aggregate classification (germline): Pathogenic (1 of 4 stars; one submission).

Submission:

Labcorp Genetics (formerly Invitae), Labcorp
Classification: Pathogenic. Last evaluated: 2024-02-20. Review status: criteria provided, single submitter. Criteria: Invitae Variant Classification Sherloc (09022015). Collection method: clinical testing. Allele origin: germline.
Comment: This sequence change creates a premature translational stop signal (p.Thr366Hisfs*5) in the TYRP1 gene. It is expected to result in an absent or disrupted protein product. Loss-of-function variants in TYRP1 are known to be pathogenic (PMID: 8651291, 9345097). This variant is present in population databases (rs756199090, gnomAD 0.007%). This variant has not been reported in the literature in individuals affected with TYRP1-related conditions. ClinVar contains an entry for this variant (Variation ID: 1978774). For these reasons, this variant has been classified as Pathogenic.

Literature cited by the submitters: PubMed 8651291; PubMed 9345097.

NM_000550.3(TYRP1):c.1095dup (p.Thr366fs)

Genes: LURAP1L-AS1 (LURAP1L antisense RNA 1; minus strand), TYRP1 (tyrosinase related protein 1; plus strand). Cytogenetic location: 9p23.
Variant type: Duplication.
Coding change: c.1095dup on transcript NM_000550.3 (MANE Select); coding-DNA position 1095, one base duplicated (C; older notation c.1095dupC).
Protein change: p.Thr366fs; shifts the reading frame from threonine 366.
Molecular consequence: frameshift variant.
Genome position (GRCh38, 1-based): chr9:12,704,539, C duplicated; the last of 4 consecutive C bases (chr9:12,704,536-12,704,539); duplicating any one gives the same sequence. VCF-style (leftmost placement, unchanged base first): chr9-12704535-A-AC. GRCh37 (hg19) VCF-style: chr9-12704535-A-AC.
Other names: short protein forms T366fs.
Identifiers: ClinVar variation 1978774 (VCV001978774.4), dbSNP rs756199090, ClinGen allele CA4985445.